The following is an entry in ClinVar:

ClinVar aggregate classification (germline): Uncertain significance. Review status: criteria provided, multiple submitters, no conflicts (2 of 4 stars). 3 submissions from 3 submitters: Uncertain significance (3). Last evaluated 2026-06-04.

Conditions:
Inborn genetic diseases. Identifiers: MedGen C0950123, MeSH D030342.

Allele frequency attached by ClinVar (database versions not stated): gnomAD exomes below 0.00001; TOPMed below 0.00001.
gnomAD v4.1: 2 of 1,614,148 alleles (0.00012%); highest among the groups gnomAD compares: Non-Finnish European, 0.00017%; no homozygotes.

Submissions (3):

Ambry Genetics
Classification: Uncertain significance for Inborn genetic diseases. Last evaluated: 2026-06-04. Review status: criteria provided, single submitter. Criteria: Ambry Variant Classification Scheme 2023. Collection method: clinical testing. Allele origin: germline.

GeneDx
Classification: Uncertain significance. Last evaluated: 2023-07-20. Review status: criteria provided, single submitter. Criteria: GeneDx Variant Classification Process June 2021. Collection method: clinical testing. Allele origin: germline. Affected: yes.
Comment: Not observed at significant frequency in large population cohorts (gnomAD); In silico analysis supports that this missense variant has a deleterious effect on protein structure/function; Has not been previously published as pathogenic or benign to our knowledge

Labcorp Genetics (formerly Invitae), Labcorp
Classification: Uncertain significance. Last evaluated: 2021-04-23. Review status: criteria provided, single submitter. Criteria: Invitae Variant Classification Sherloc (09022015). Collection method: clinical testing. Allele origin: germline.
Comment: Algorithms developed to predict the effect of missense changes on protein structure and function are either unavailable or do not agree on the potential impact of this missense change (SIFT: "Deleterious"; PolyPhen-2: "Benign"; Align-GVGD: "Class C0"). This variant has not been reported in the literature in individuals with CTR9-related conditions. This variant is not present in population databases (ExAC no frequency). This sequence change replaces glutamic acid with glycine at codon 79 of the CTR9 protein (p.Glu79Gly). The glutamic acid residue is highly conserved and there is a moderate physicochemical difference between glutamic acid and glycine. In summary, the available evidence is currently insufficient to determine the role of this variant in disease. Therefore, it has been classified as a Variant of Uncertain Significance.

NM_014633.5(CTR9):c.236A>G (p.Glu79Gly)

Gene: CTR9 (CTR9 component of Paf1/RNA polymerase II complex; plus strand). Cytogenetic location: 11p15.4.
Variant type: single nucleotide variant.
Coding change: c.236A>G on transcript NM_014633.5 (MANE Select); coding-DNA position 236, A replaced by G.
Protein change: p.Glu79Gly; replaces glutamic acid 79 with glycine.
Molecular consequence: missense variant.
Genome position (GRCh38, 1-based): chr11:10,755,049, A>G. VCF-style: chr11-10755049-A-G. GRCh37 (hg19) VCF-style: chr11-10776596-A-G.
Other names: c.236A>G, p.Glu79Gly (NM_001346279.2); c.236A>G (NM_014633.3, NM_014633.4); short protein forms E79G.
Identifiers: ClinVar variation 1396585 (VCV001396585.11), dbSNP rs1862863978, ClinGen allele CA379659046.